The following is an entry in ClinVar:

ClinVar aggregate classification (germline): Likely benign. Review status: criteria provided, multiple submitters, no conflicts (2 of 4 stars). 2 submissions from 2 submitters: Likely benign (2). Last evaluated 2025-10-15.

Conditions:
Werner syndrome (WRN). Identifiers: Orphanet 902, MedGen C0043119, MONDO:0010196, OMIM 277700.
WRN-related disorder. Also called: WRN-related condition.

Submissions (2):

Labcorp Genetics (formerly Invitae), Labcorp
Classification: Likely benign for Werner syndrome. Last evaluated: 2025-10-15. Review status: criteria provided, single submitter. Criteria: Invitae Variant Classification Sherloc (09022015). Collection method: clinical testing. Allele origin: germline.

PreventionGenetics, part of Exact Sciences
Classification: Likely benign for WRN-related condition. Last evaluated: 2024-10-10. Review status: criteria provided, single submitter. Criteria: ACMG Guidelines, 2015. Collection method: clinical testing. Allele origin: germline.
Comment: This variant is classified as likely benign based on ACMG/AMP sequence variant interpretation guidelines (Richards et al. 2015 PMID: 25741868, with internal and published modifications).

NM_000553.6(WRN):c.1899-4A>C

Gene: WRN (WRN RecQ like helicase; plus strand). Cytogenetic location: 8p12.
Variant type: single nucleotide variant.
Coding change: c.1899-4A>C on transcript NM_000553.6 (MANE Select); 4 bases into the intron before coding-DNA position 1899, A replaced by C.
Molecular consequence: intron variant.
Genome position (GRCh38, 1-based): chr8:31,096,764, A>C. VCF-style: chr8-31096764-A-C. GRCh37 (hg19) VCF-style: chr8-30954280-A-C.
Other names: c.1899-4A>C (NM_000553.4).
Identifiers: ClinVar variation 4724426 (VCV004724426.2).